The following is an entry in ClinVar:

ClinVar aggregate classification (germline): Uncertain significance (1 of 4 stars; one submission).

Submission:

Labcorp Genetics (formerly Invitae), Labcorp
Classification: Uncertain significance. Last evaluated: 2022-04-21. Review status: criteria provided, single submitter. Criteria: Invitae Variant Classification Sherloc (09022015). Collection method: clinical testing. Allele origin: germline.
Comment: This sequence change replaces leucine, which is neutral and non-polar, with valine, which is neutral and non-polar, at codon 90 of the PSMG2 protein (p.Leu90Val). In summary, the available evidence is currently insufficient to determine the role of this variant in disease. Therefore, it has been classified as a Variant of Uncertain Significance. Algorithms developed to predict the effect of sequence changes on RNA splicing suggest that this variant may disrupt the consensus splice site. Algorithms developed to predict the effect of missense changes on protein structure and function (SIFT, PolyPhen-2, Align-GVGD) all suggest that this variant is likely to be tolerated. This variant has not been reported in the literature in individuals affected with PSMG2-related conditions. This variant is not present in population databases (gnomAD no frequency).

NM_020232.5(PSMG2):c.268T>G (p.Leu90Val)

Gene: PSMG2 (proteasome assembly chaperone 2; plus strand). Cytogenetic location: 18p11.21.
Variant type: single nucleotide variant.
Coding change: c.268T>G on transcript NM_020232.5 (MANE Select); coding-DNA position 268, T replaced by G.
Protein change: p.Leu90Val; replaces leucine 90 with valine.
Molecular consequence: missense variant.
Genome position (GRCh38, 1-based): chr18:12,712,740, T>G. VCF-style: chr18-12712740-T-G. GRCh37 (hg19) VCF-style: chr18-12712739-T-G.
Other names: c.175T>G, p.Leu59Val (NM_147163.2); short protein forms L90V, L59V.
Identifiers: ClinVar variation 2128991 (VCV002128991.4), dbSNP rs2510991625, ClinGen allele CA401966893.
Genomic context (GRCh38, chr18:12,712,740, plus strand): 5'-CATTTTCTTCTTGTTTTTATAGTGTATTCATTGCCTTCAAGAAAGCTGGTGGCTCTACAG[T>G]TAAGATCCATTTTTATTAAGGTTAGTATGTTGTAGTTTGCCTTTTTGTTTATTAAAGTGT-3'
Protein context (NP_064617.2, residues 80-100): LPSRKLVALQ[Leu90Val]RSIFIKYKSK